The following is an entry in ClinVar:

ClinVar aggregate classification (germline): Uncertain significance (1 of 4 stars; one submission).

Conditions:
Purine-nucleoside phosphorylase deficiency. Also called: Immunodeficiency due to purine nucleoside phosphorylase deficiency; NUCLEOSIDE PHOSPHORYLASE DEFICIENCY. Identifiers: Orphanet 760, MedGen C0268125, MONDO:0013171, OMIM 613179.

gnomAD v4.1: 1 of 1,614,216 alleles (0.000062%); highest among the groups gnomAD compares: Non-Finnish European, 0.000085%; no homozygotes.

Submission:

Labcorp Genetics (formerly Invitae), Labcorp
Classification: Uncertain significance for Purine-nucleoside phosphorylase deficiency. Last evaluated: 2019-01-24. Review status: criteria provided, single submitter. Criteria: Invitae Variant Classification Sherloc (09022015). Collection method: clinical testing. Allele origin: germline.
Comment: In summary, the available evidence is currently insufficient to determine the role of this variant in disease. Therefore, it has been classified as a Variant of Uncertain Significance. Algorithms developed to predict the effect of missense changes on protein structure and function are either unavailable or do not agree on the potential impact of this missense change (SIFT: "Deleterious"; PolyPhen-2: "Probably Damaging"; Align-GVGD: "Class C0"). This variant has not been reported in the literature in individuals with PNP-related conditions. This variant is present in population databases (rs772212348, ExAC 0.001%). This sequence change replaces glycine with aspartic acid at codon 190 of the PNP protein (p.Gly190Asp). The glycine residue is highly conserved and there is a moderate physicochemical difference between glycine and aspartic acid.

NM_000270.4(PNP):c.569G>A (p.Gly190Asp)

Gene: PNP (purine nucleoside phosphorylase; plus strand). Cytogenetic location: 14q11.2.
Variant type: single nucleotide variant.
Coding change: c.569G>A on transcript NM_000270.4 (MANE Select); coding-DNA position 569, G replaced by A.
Protein change: p.Gly190Asp; replaces glycine 190 with aspartic acid.
Molecular consequence: missense variant.
Genome position (GRCh38, 1-based): chr14:20,475,169, G>A. VCF-style: chr14-20475169-G-A. GRCh37 (hg19) VCF-style: chr14-20943328-G-A.
Other names: short protein forms G190D.
Identifiers: ClinVar variation 853694 (VCV000853694.9), dbSNP rs772212348, ClinGen allele CA7082172.